The following is an entry in ClinVar:

NM_198859.4(PRICKLE2):c.2020A>G (p.Thr674Ala)

Genes: PRICKLE2-AS1 (PRICKLE2 antisense RNA 1; plus strand), PRICKLE2 (prickle planar cell polarity protein 2; minus strand). Cytogenetic location: 3p14.1.
Variant type: single nucleotide variant.
Coding change: c.2020A>G on transcript NM_198859.4 (MANE Select); coding-DNA position 2020, A replaced by G.
Protein change: p.Thr674Ala; replaces threonine 674 with alanine.
Molecular consequence: missense variant. On other transcripts: non-coding transcript variant (1).
Genome position (GRCh38, 1-based): chr3:64,099,566, T>C on the plus strand (A>G on the coding strand, the complement: PRICKLE2 is on the minus strand). VCF-style: chr3-64099566-T-C. GRCh37 (hg19) VCF-style: chr3-64085242-T-C.
Other names: c.2020A>G, p.Thr674Ala (NM_001370528.1); short protein forms T674A.
Identifiers: ClinVar variation 1908250 (VCV001908250.5), dbSNP rs2471101390, ClinGen allele CA353426977.

ClinVar aggregate classification (germline): Uncertain significance (1 of 4 stars; one submission).

Conditions:
Progressive myoclonic epilepsy type 5. Identifiers: Orphanet 402082, MedGen C5190799.

Allele frequency attached by ClinVar (database versions not stated): gnomAD exomes below 0.00001.
gnomAD v4.1: 3 of 1,612,398 alleles (0.00019%); highest among the groups gnomAD compares: African/African-American, 0.0013%; no homozygotes.

Submission:

Labcorp Genetics (formerly Invitae), Labcorp
Classification: Uncertain significance for Progressive myoclonic epilepsy type 5. Last evaluated: 2022-10-03. Review status: criteria provided, single submitter. Criteria: Invitae Variant Classification Sherloc (09022015). Collection method: clinical testing. Allele origin: germline.
Comment: In summary, the available evidence is currently insufficient to determine the role of this variant in disease. Therefore, it has been classified as a Variant of Uncertain Significance. Advanced modeling of protein sequence and biophysical properties (such as structural, functional, and spatial information, amino acid conservation, physicochemical variation, residue mobility, and thermodynamic stability) performed at Invitae indicates that this missense variant is not expected to disrupt PRICKLE2 protein function. This variant has not been reported in the literature in individuals affected with PRICKLE2-related conditions. This variant is not present in population databases (gnomAD no frequency). This sequence change replaces threonine, which is neutral and polar, with alanine, which is neutral and non-polar, at codon 674 of the PRICKLE2 protein (p.Thr674Ala).